The following is an entry in ClinVar:

NM_006030.4(CACNA2D2):c.2268C>A (p.Asp756Glu)

Genes: CACNA2D2 (calcium voltage-gated channel auxiliary subunit alpha2delta 2; minus strand), LOC101928965 (uncharacterized LOC101928965; plus strand), LOC127898564 (CYB561D2-LOC101928965; plus strand). Cytogenetic location: 3p21.31.
Variant type: single nucleotide variant.
Coding change: c.2268C>A on transcript NM_006030.4 (MANE Select); coding-DNA position 2268, C replaced by A.
Protein change: p.Asp756Glu; replaces aspartic acid 756 with glutamic acid.
Molecular consequence: missense variant.
Genome position (GRCh38, 1-based): chr3:50,367,671, G>T on the plus strand (C>A on the coding strand, the complement: CACNA2D2 is on the minus strand). VCF-style: chr3-50367671-G-T. GRCh37 (hg19) VCF-style: chr3-50405102-G-T.
Other names: p.Asp756Glu; c.2268C>A, p.Asp756Glu (NM_001005505.3, NM_001410768.1); c.2289C>A, p.Asp763Glu (NM_001174051.3); c.2061C>A, p.Asp687Glu (NM_001291101.1); short protein forms D687E, D756E, D763E.
Identifiers: ClinVar variation 2682833 (VCV002682833.1), dbSNP rs375235408, ClinGen allele CA352914373.

ClinVar aggregate classification (germline): Uncertain significance (1 of 4 stars; one submission).

Submission:

Mayo Clinic Laboratories, Mayo Clinic
Classification: Uncertain significance. Last evaluated: 2021-12-02. Review status: criteria provided, single submitter. Criteria: ACMG Guidelines, 2015. Collection method: clinical testing. Allele origin: germline. Observed: 1 variant allele.
Comment: PM2